The following is an entry in ClinVar:

ClinVar aggregate classification (germline): Conflicting classifications of pathogenicity. Review status: criteria provided, conflicting classifications (1 of 4 stars). 2 submissions from 2 submitters: Uncertain significance (1); Likely benign (1). Last evaluated 2026-01-12.

gnomAD v4.1: 2 of 1,577,102 alleles (0.00013%); highest among the groups gnomAD compares: Non-Finnish European, 0.00017%; no homozygotes.

Submissions (2):

Labcorp Genetics (formerly Invitae), Labcorp
Classification: Likely benign. Last evaluated: 2026-01-12. Review status: criteria provided, single submitter. Criteria: Invitae Variant Classification Sherloc (09022015). Collection method: clinical testing. Allele origin: germline.

GeneDx
Classification: Uncertain significance. Last evaluated: 2021-04-21. Review status: criteria provided, single submitter. Criteria: GeneDx Variant Classification Process June 2021. Collection method: clinical testing. Allele origin: germline. Affected: yes.
Comment: Not observed in large population cohorts (Lek et al., 2016); Nonsense variant predicted to result in protein truncation or nonsense mediated decay in a gene for which loss-of-function is not a known mechanism of disease; Has not been previously published as pathogenic or benign to our knowledge

NM_004958.4(MTOR):c.1759C>T (p.Arg587Ter)

Gene: MTOR (mechanistic target of rapamycin kinase; minus strand). Cytogenetic location: 1p36.22.
Variant type: single nucleotide variant.
Coding change: c.1759C>T on transcript NM_004958.4 (MANE Select); coding-DNA position 1759, C replaced by T.
Protein change: p.Arg587Ter; replaces arginine 587 with a stop codon.
Molecular consequence: nonsense.
Genome position (GRCh38, 1-based): chr1:11,240,330, G>A on the plus strand (C>T on the coding strand, the complement: MTOR is on the minus strand). VCF-style: chr1-11240330-G-A. GRCh37 (hg19) VCF-style: chr1-11300387-G-A.
Other names: c.1759C>T, p.Arg587Ter (NM_001386500.1); c.511C>T, p.Arg171Ter (NM_001386501.1); short protein forms R171*, R587*.
Identifiers: ClinVar variation 1314627 (VCV001314627.5), dbSNP rs750031278, ClinGen allele CA338391874.
Genomic context (GRCh38, chr1:11,240,330, plus strand): 5'-ACTATCTTGGCAAGAGCCGTTGTAATTTCTTACCTTCAAATTCAAAGCTGCCAAGCGTTC[G>A]GAGGGCAAGAGTGATGCTGCCCACATCGCTGGCCTCAGGGAGGGTCGTGAGGCCAGGAGA-3'